The following is an entry in ClinVar:

ClinVar aggregate classification (germline): Uncertain significance. Review status: criteria provided, multiple submitters, no conflicts (2 of 4 stars). 3 submissions from 3 submitters: Uncertain significance (3). Last evaluated 2025-12-08.

Conditions:
Arrhythmogenic right ventricular dysplasia 5. Also called: Arrhythmogenic Right Ventricular Dysplasia/Cardiomyopathy 5; ARRHYTHMOGENIC RIGHT VENTRICULAR DYSPLASIA, FAMILIAL, 5. Identifiers: MedGen C1858379, MONDO:0011459, OMIM 604400.
Cardiomyopathy (CMYO). Also called: Cardiomyopathies. Identifiers: Orphanet 167848, MedGen C0878544, MONDO:0004994, HP:0001638. Inheritance: Various modes of inheritance.

Submissions (3):

Labcorp Genetics (formerly Invitae), Labcorp
Classification: Uncertain significance for Arrhythmogenic right ventricular dysplasia 5. Last evaluated: 2025-12-08. Review status: criteria provided, single submitter. Criteria: Invitae Variant Classification Sherloc (09022015). Collection method: clinical testing. Allele origin: germline.
Comment: This sequence change replaces valine, which is neutral and non-polar, with alanine, which is neutral and non-polar, at codon 355 of the TMEM43 protein (p.Val355Ala). This variant is not present in population databases (gnomAD no frequency). This variant has not been reported in the literature in individuals affected with TMEM43-related conditions. ClinVar contains an entry for this variant (Variation ID: 3074961). Invitae Evidence Modeling of protein sequence and biophysical properties (such as structural, functional, and spatial information, amino acid conservation, physicochemical variation, residue mobility, and thermodynamic stability) indicates that this missense variant is not expected to disrupt TMEM43 protein function with a negative predictive value of 80%. In summary, the available evidence is currently insufficient to determine the role of this variant in disease. Therefore, it has been classified as a Variant of Uncertain Significance.

Color Diagnostics, LLC DBA Color Health
Classification: Uncertain significance for Cardiomyopathy. Last evaluated: 2025-08-22. Review status: criteria provided, single submitter. Criteria: ACMG Guidelines, 2015. Collection method: clinical testing. Allele origin: germline.
Comment: This missense variant replaces valine with alanine at codon 355 of the TMEM43 protein. Computational prediction suggests that this variant may not impact protein structure and function. To our knowledge, functional studies have not been reported for this variant. This variant has not been reported in individuals affected with TMEM43-related disorders in the literature. This variant has not been identified in the general population by the Genome Aggregation Database (gnomAD). The available evidence is insufficient to determine the role of this variant in disease conclusively. Therefore, this variant is classified as a Variant of Uncertain Significance.

All of Us Research Program, National Institutes of Health
Classification: Uncertain significance for Arrhythmogenic right ventricular dysplasia 5. Last evaluated: 2024-01-11. Review status: criteria provided, single submitter. Criteria: ACMG Guidelines, 2015. Collection method: clinical testing. Allele origin: germline. Inheritance: Autosomal dominant inheritance. Observed: 1 variant allele, 1 heterozygote.
Comment: This study involves interpretation of variants in research participants for the purpose of population health screening. Participant phenotype was not available at the time of variant classification. Additional details can be found in publication PMID: 35346344, PMCID: PMC8962531

NM_024334.3(TMEM43):c.1064T>C (p.Val355Ala)

Gene: TMEM43 (transmembrane protein 43; plus strand). Cytogenetic location: 3p25.1.
Variant type: single nucleotide variant.
Coding change: c.1064T>C on transcript NM_024334.3 (MANE Select); coding-DNA position 1064, T replaced by C.
Protein change: p.Val355Ala; replaces valine 355 with alanine.
Molecular consequence: missense variant.
Genome position (GRCh38, 1-based): chr3:14,141,656, T>C. VCF-style: chr3-14141656-T-C. GRCh37 (hg19) VCF-style: chr3-14183156-T-C.
Other names: c.1067T>C, p.Val356Ala (NM_001407274.1); c.1061T>C, p.Val354Ala (NM_001407275.1, NM_001407276.1); c.1058T>C, p.Val353Ala (NM_001407277.1); c.1049T>C, p.Val350Ala (NM_001407278.1); c.989T>C, p.Val330Ala (NM_001407279.1); c.914T>C, p.Val305Ala (NM_001407280.1); short protein forms V305A, V330A, V350A, V353A, V354A, V355A, V356A.
Identifiers: ClinVar variation 3074961 (VCV003074961.2), dbSNP rs2470201187, ClinGen allele CA351536471.